The following is an entry in ClinVar:

ClinVar aggregate classification (germline): Uncertain significance (1 of 4 stars; one submission).

Submission:

Labcorp Genetics (formerly Invitae), Labcorp
Classification: Uncertain significance. Last evaluated: 2021-08-03. Review status: criteria provided, single submitter. Criteria: Invitae Variant Classification Sherloc (09022015). Collection method: clinical testing. Allele origin: germline.
Comment: This variant results in a copy number gain of the genomic region encompassing exon(s) 20 of the MME gene. While the exact position of this variant cannot be determined from the data, sub-genic copy number gains are generally in tandem (PMID: 25640679). This variant is predicted to be in-frame, and likely preserves the integrity of the reading frame. This variant has not been reported in the literature in individuals affected with MME-related conditions. Experimental studies and prediction algorithms are not available or were not evaluated, and the functional significance of this variant is currently unknown. In summary, the available evidence is currently insufficient to determine the role of this variant in disease. Therefore, it has been classified as a Variant of Uncertain Significance.

Literature cited by the submitters: PubMed 25640679.

NC_000003.11:g.(?_154886501)_(154886606_?)dup

Gene: MME (membrane metalloendopeptidase; plus strand). Cytogenetic location: 3q25.2.
Variant type: Duplication.
Identifiers: ClinVar variation 1411628 (VCV001411628.3).